The following is an entry in ClinVar:

NM_003002.4(SDHD):c.163C>T (p.His55Tyr)

Gene: SDHD (succinate dehydrogenase complex subunit D; plus strand). Cytogenetic location: 11q23.1.
Variant type: single nucleotide variant.
Coding change: c.163C>T on transcript NM_003002.4 (MANE Select); coding-DNA position 163, C replaced by T.
Protein change: p.His55Tyr; replaces histidine 55 with tyrosine.
Molecular consequence: missense variant. On other transcripts: non-coding transcript variant (1), intron variant (1).
Genome position (GRCh38, 1-based): chr11:112,087,967, C>T. VCF-style: chr11-112087967-C-T. GRCh37 (hg19) VCF-style: chr11-111958691-C-T.
Other names: c.163C>T, p.His55Tyr (NM_001276503.2, NM_001276506.2); c.53-900C>T (NM_001276504.2); short protein forms H55Y.
Identifiers: ClinVar variation 1777007 (VCV001777007.2), dbSNP rs2498900452, ClinGen allele CA382617121.

ClinVar aggregate classification (germline): Uncertain significance (1 of 4 stars; one submission).

Conditions:
Hereditary cancer-predisposing syndrome. Also called: Neoplastic Syndromes, Hereditary; Tumor predisposition; Hereditary Cancer Syndrome; Hereditary neoplastic syndrome. Identifiers: Orphanet 140162, MedGen C0027672, MeSH D009386, MONDO:0015356.

Submission:

Ambry Genetics
Classification: Uncertain significance for Hereditary cancer-predisposing syndrome. Last evaluated: 2022-04-22. Review status: criteria provided, single submitter. Criteria: Ambry Variant Classification Scheme 2023. Collection method: clinical testing. Allele origin: germline.
Comment: The p.H55Y variant (also known as c.163C>T), located in coding exon 2 of the SDHD gene, results from a C to T substitution at nucleotide position 163. The histidine at codon 55 is replaced by tyrosine, an amino acid with similar properties. This amino acid position is conserved. In addition, the in silico prediction for this alteration is inconclusive. Since supporting evidence is limited at this time, the clinical significance of this alteration remains unclear.